The following is an entry in ClinVar:

ClinVar aggregate classification (germline): Uncertain significance. Review status: criteria provided, multiple submitters, no conflicts (2 of 4 stars). 4 submissions from 4 submitters: Uncertain significance (4). Last evaluated 2026-02-02.

Conditions:
UCP3-related disorder. Also called: UCP3-related condition.
Obesity. Also called: Obesity disorder. Identifiers: Orphanet 71529, MedGen C0028754, MeSH D009765, MONDO:0011122, HP:0001513.

Allele frequency attached by ClinVar (database versions not stated): gnomAD exomes 0.00002; ExAC 0.00003; gnomAD 0.00005 and 0.00006; TOPMed 0.00005; ESP Exome Variant Server 0.00008.
gnomAD v4.1: 31 of 1,610,480 alleles (0.0019%); highest among the groups gnomAD compares: Middle Eastern, 0.016%; no homozygotes.

Submissions (4):

PreventionGenetics, part of Exact Sciences
Classification: Uncertain significance for UCP3-related condition. Last evaluated: 2026-02-02. Review status: criteria provided, single submitter. Criteria: ACMG Guidelines, 2015. Collection method: clinical testing. Allele origin: germline.
Comment: The UCP3 c.202A>G variant is predicted to result in the amino acid substitution p.Met68Val. To our knowledge, this variant has not been reported in the literature. This variant is reported in 0.0055% of alleles in individuals of European (Non-Finnish) descent in gnomAD. At this time, the clinical significance of this variant is uncertain due to the absence of conclusive functional and genetic evidence.

Labcorp Genetics (formerly Invitae), Labcorp
Classification: Uncertain significance. Last evaluated: 2022-12-30. Review status: criteria provided, single submitter. Criteria: Invitae Variant Classification Sherloc (09022015). Collection method: clinical testing. Allele origin: germline.
Comment: In summary, the available evidence is currently insufficient to determine the role of this variant in disease. Therefore, it has been classified as a Variant of Uncertain Significance. Advanced modeling of protein sequence and biophysical properties (such as structural, functional, and spatial information, amino acid conservation, physicochemical variation, residue mobility, and thermodynamic stability) performed at Invitae indicates that this missense variant is not expected to disrupt UCP3 protein function. ClinVar contains an entry for this variant (Variation ID: 426364). This variant has not been reported in the literature in individuals affected with UCP3-related conditions. This variant is present in population databases (rs370829405, gnomAD 0.006%). This sequence change replaces methionine, which is neutral and non-polar, with valine, which is neutral and non-polar, at codon 68 of the UCP3 protein (p.Met68Val).

Fulgent Genetics
Classification: Uncertain significance for Inherited obesity. Last evaluated: 2022-05-03. Review status: criteria provided, single submitter. Criteria: ACMG Guidelines, 2015. Collection method: clinical testing. Allele origin: unknown.

GeneDx
Classification: Uncertain significance. Last evaluated: 2017-04-19. Review status: criteria provided, single submitter. Criteria: GeneDx Variant Classification (06012015). Collection method: clinical testing. Allele origin: germline. Affected: yes.
Comment: The M68V variant in the UCP3 gene has not been reported previously as a pathogenic variant, nor as a benign variant, to our knowledge. The M68V variant is observed in 3/59756 (0.005%) alleles from individuals of European background in large population cohorts (Lek et al., 2016; 1000 Genomes Consortium et al., 2015; Exome Variant Server). The M68V variant is a conservative amino acid substitution, which is not likely to impact secondary protein structure as these residues share similar properties. This substitution occurs at a position that is conserved across species. In silico analysis is inconsistent in its predictions as to whether or not the variant is damaging to the protein structure/function. We interpret M68V as a variant of uncertain significance.

NM_003356.4(UCP3):c.202A>G (p.Met68Val)

Gene: UCP3 (uncoupling protein 3; minus strand). Cytogenetic location: 11q13.4.
Variant type: single nucleotide variant.
Coding change: c.202A>G on transcript NM_003356.4 (MANE Select); coding-DNA position 202, A replaced by G.
Protein change: p.Met68Val; replaces methionine 68 with valine.
Molecular consequence: missense variant.
Genome position (GRCh38, 1-based): chr11:74,006,304, T>C on the plus strand (A>G on the coding strand, the complement: UCP3 is on the minus strand). VCF-style: chr11-74006304-T-C. GRCh37 (hg19) VCF-style: chr11-73717349-T-C.
Other names: c.202A>G, p.Met68Val (NM_022803.3); short protein forms M68V.
Identifiers: ClinVar variation 426364 (VCV000426364.7), dbSNP rs370829405, ClinGen allele CA6181592.
Genomic context (GRCh38, chr11:74,006,304, plus strand): 5'-GGCGCTGCAGGCCGGCCACCAGCCCATTGTAGGGGCTGCAGGGACCCTCAGTCCGCACCA[T>C]GGTCAGGATGGTGCCCAGCACGCCACGGTACTGCACGAGCCGGGCCGTCTGGACCGCCTG-3'
Protein context (NP_003347.1, residues 58-78): YRGVLGTILT[Met68Val]VRTEGPCSPY